The following is an entry in ClinVar:

ClinVar aggregate classification (germline): Uncertain significance (1 of 4 stars; one submission).

Conditions:
Neuronopathy, distal hereditary motor, autosomal recessive 4. Also called: Autosomal recessive lower motor neuron disease with childhood onset; NEUROPATHY, DISTAL HEREDITARY MOTOR, AUTOSOMAL RECESSIVE 4. Identifiers: Orphanet 206580, MedGen C1970211, MONDO:0012608, OMIM 611067.
Charcot-Marie-Tooth disease recessive intermediate C. Also called: CHARCOT-MARIE-TOOTH NEUROPATHY, RECESSIVE INTERMEDIATE C. Identifiers: Orphanet 369867, MedGen C3809309, MONDO:0014154, OMIM 615376.

Allele frequency attached by ClinVar (database versions not stated): gnomAD exomes below 0.00001; TOPMed below 0.00001.
gnomAD v4.1: 4 of 1,576,990 alleles (0.00025%); highest among the groups gnomAD compares: South Asian, 0.0034%; no homozygotes.

Submission:

Labcorp Genetics (formerly Invitae), Labcorp
Classification: Uncertain significance for Neuronopathy, distal hereditary motor, autosomal recessive 4; Charcot-Marie-Tooth disease recessive intermediate C. Last evaluated: 2021-09-01. Review status: criteria provided, single submitter. Criteria: Invitae Variant Classification Sherloc (09022015). Collection method: clinical testing. Allele origin: germline.
Comment: This sequence change replaces serine with phenylalanine at codon 965 of the PLEKHG5 protein (p.Ser965Phe). The serine residue is weakly conserved and there is a large physicochemical difference between serine and phenylalanine. This variant is not present in population databases (ExAC no frequency). This variant has not been reported in the literature in individuals affected with PLEKHG5-related conditions. Algorithms developed to predict the effect of missense changes on protein structure and function (SIFT, PolyPhen-2, Align-GVGD) all suggest that this variant is likely to be tolerated. In summary, the available evidence is currently insufficient to determine the role of this variant in disease. Therefore, it has been classified as a Variant of Uncertain Significance.

NM_020631.6(PLEKHG5):c.2894C>T (p.Ser965Phe)

Gene: PLEKHG5 (pleckstrin homology and RhoGEF domain containing G5; minus strand). Cytogenetic location: 1p36.31.
Variant type: single nucleotide variant.
Coding change: c.2894C>T on transcript NM_020631.6 (MANE Select); coding-DNA position 2894, C replaced by T.
Protein change: p.Ser965Phe; replaces serine 965 with phenylalanine.
Molecular consequence: missense variant. On other transcripts: intron variant (1).
Genome position (GRCh38, 1-based): chr1:6,467,942, G>A on the plus strand (C>T on the coding strand, the complement: PLEKHG5 is on the minus strand). VCF-style: chr1-6467942-G-A. GRCh37 (hg19) VCF-style: chr1-6528002-G-A.
Other names: c.3005C>T, p.Ser1002Phe (NM_001042663.3, NM_001265592.2); c.2894C>T, p.Ser965Phe (NM_001042664.2, NM_001042665.2, NM_198681.4); c.3101C>T, p.Ser1034Phe (NM_001265593.2); c.2738-44C>T (NM_001265594.3); short protein forms S1002F, S1034F, S965F.
Identifiers: ClinVar variation 1016523 (VCV001016523.6), dbSNP rs1337483830, ClinGen allele CA338114196.